The following is an entry in ClinVar:

ClinVar aggregate classification (germline): Likely benign (1 of 4 stars; one submission).

Conditions:
Familial cancer of breast. Also called: Hereditary breast cancer; BREAST CANCER, FAMILIAL; hereditary breast carcinoma. Identifiers: Orphanet 227535, MedGen C0346153, MONDO:0016419, OMIM 114480. Disease mechanism: loss of function.

Submission:

Myriad Genetics, Inc.
Classification: Likely benign for Familial cancer of breast. Last evaluated: 2024-10-04. Review status: criteria provided, single submitter. Criteria: Myriad Autosomal Dominant, Autosomal Recessive and X-Linked Classification Criteria (2023). Collection method: clinical testing. Allele origin: unknown.
Comment: This variant is considered likely benign. This variant is intronic and is not expected to impact mRNA splicing.

NM_007194.4(CHEK2):c.1096-12A>T

Gene: CHEK2 (checkpoint kinase 2; minus strand). Cytogenetic location: 22q12.1.
Variant type: single nucleotide variant.
Coding change: c.1096-12A>T on transcript NM_007194.4 (MANE Select); 12 bases into the intron before coding-DNA position 1096, A replaced by T.
Molecular consequence: intron variant.
Genome position (GRCh38, 1-based): chr22:28,695,885, T>A on the plus strand (A>T on the coding strand, the complement: CHEK2 is on the minus strand). VCF-style: chr22-28695885-T-A. GRCh37 (hg19) VCF-style: chr22-29091873-T-A.
Other names: c.433-12A>T (NM_001437942.1, NM_001257387.3); c.895-12A>T (NM_001349956.3); c.1009-12A>T (NM_145862.3); c.1102-12A>T (NM_001438295.1); c.1189-12A>T (NM_001438293.1); c.1138-12A>T (NM_001438294.1); c.1225-12A>T (NM_001005735.3).
Identifiers: ClinVar variation 3773635 (VCV003773635.1).